The following is an entry in ClinVar:

NM_004370.6(COL12A1):c.6647G>A (p.Gly2216Glu)

Gene: COL12A1 (collagen type XII alpha 1 chain; minus strand). Cytogenetic location: 6q13.
Variant type: single nucleotide variant.
Coding change: c.6647G>A on transcript NM_004370.6 (MANE Select); coding-DNA position 6647, G replaced by A.
Protein change: p.Gly2216Glu; replaces glycine 2216 with glutamic acid.
Molecular consequence: missense variant.
Genome position (GRCh38, 1-based): chr6:75,124,332, C>T on the plus strand (G>A on the coding strand, the complement: COL12A1 is on the minus strand). VCF-style: chr6-75124332-C-T. GRCh37 (hg19) VCF-style: chr6-75834048-C-T.
Other names: c.3155G>A, p.Gly1052Glu (NM_080645.3); short protein forms G2216E, G1052E.
Identifiers: ClinVar variation 943245 (VCV000943245.10), dbSNP rs761964344, ClinGen allele CA3892757.

ClinVar aggregate classification (germline): Uncertain significance (1 of 4 stars; one submission).

Conditions:
Ullrich congenital muscular dystrophy 2 (UCMD2). Identifiers: Orphanet 75840, MedGen C4225314, MONDO:0014654, OMIM 616470.
Bethlem myopathy 2 (BTHLM2). Identifiers: Orphanet 536516, Orphanet 610, MedGen C4225313, MONDO:0034022, OMIM 616471.

Allele frequency attached by ClinVar (database versions not stated): gnomAD exomes below 0.00001; ExAC 0.00001.
gnomAD v4.1: 1 of 1,613,044 alleles (0.000062%); highest among the groups gnomAD compares: Non-Finnish European, 0.000085%; no homozygotes.

Submission:

Labcorp Genetics (formerly Invitae), Labcorp
Classification: Uncertain significance for Bethlem myopathy 2; Ullrich congenital muscular dystrophy 2. Last evaluated: 2019-08-17. Review status: criteria provided, single submitter. Criteria: Invitae Variant Classification Sherloc (09022015). Collection method: clinical testing. Allele origin: germline.
Comment: In summary, the available evidence is currently insufficient to determine the role of this variant in disease. Therefore, it has been classified as a Variant of Uncertain Significance. Algorithms developed to predict the effect of missense changes on protein structure and function are either unavailable or do not agree on the potential impact of this missense change (SIFT: "Deleterious"; PolyPhen-2: "Benign"; Align-GVGD: "Class C0"). This variant has not been reported in the literature in individuals with COL12A1-related conditions. This variant is present in population databases (rs761964344, ExAC 0.002%). This sequence change replaces glycine with glutamic acid at codon 2216 of the COL12A1 protein (p.Gly2216Glu). The glycine residue is highly conserved and there is a moderate physicochemical difference between glycine and glutamic acid.